The following is an entry in ClinVar:

ClinVar aggregate classification (germline): Uncertain significance (1 of 4 stars; one submission).

Conditions:
Hereditary spastic paraplegia 63. Also called: Spastic paraplegia 63, autosomal recessive. Identifiers: Orphanet 401805, MedGen C3810295, MONDO:0014305, OMIM 615686.
Pontocerebellar hypoplasia type 9. Identifiers: Orphanet 369920, MedGen C4014354, MONDO:0014351, OMIM 615809.

Allele frequency attached by ClinVar (database versions not stated): gnomAD exomes below 0.00001; gnomAD 0.00001; TOPMed 0.00001.

Submission:

Labcorp Genetics (formerly Invitae), Labcorp
Classification: Uncertain significance for Pontocerebellar hypoplasia type 9; Hereditary spastic paraplegia 63. Last evaluated: 2022-08-09. Review status: criteria provided, single submitter. Criteria: Invitae Variant Classification Sherloc (09022015). Collection method: clinical testing. Allele origin: germline.
Comment: This variant has not been reported in the literature in individuals affected with AMPD2-related conditions. This variant is present in population databases (no rsID available, gnomAD 0.0008%). This sequence change replaces arginine, which is basic and polar, with histidine, which is basic and polar, at codon 133 of the AMPD2 protein (p.Arg133His). ClinVar contains an entry for this variant (Variation ID: 1356248). In summary, the available evidence is currently insufficient to determine the role of this variant in disease. Therefore, it has been classified as a Variant of Uncertain Significance. Algorithms developed to predict the effect of missense changes on protein structure and function are either unavailable or do not agree on the potential impact of this missense change (SIFT: "Tolerated"; PolyPhen-2: "Possibly Damaging"; Align-GVGD: "Class C0").

NM_001368809.2(AMPD2):c.236G>A (p.Arg79His)

Gene: AMPD2 (adenosine monophosphate deaminase 2; plus strand). Cytogenetic location: 1p13.3.
Variant type: single nucleotide variant.
Coding change: c.236G>A on transcript NM_001368809.2 (MANE Select); coding-DNA position 236, G replaced by A.
Protein change: p.Arg79His; replaces arginine 79 with histidine.
Molecular consequence: missense variant.
Genome position (GRCh38, 1-based): chr1:109,625,675, G>A. VCF-style: chr1-109625675-G-A. GRCh37 (hg19) VCF-style: chr1-110168297-G-A.
Other names: c.44G>A, p.Arg15His (NM_001257361.2); c.173G>A, p.Arg58His (NM_001308170.1); c.236G>A, p.Arg79His (NM_004037.9); c.155G>A, p.Arg52His (NM_139156.4); short protein forms R52H, R58H, R15H, R79H.
Identifiers: ClinVar variation 1356248 (VCV001356248.6), dbSNP rs1308492888, ClinGen allele CA341554075.